The following is an entry in ClinVar:

ClinVar aggregate classification (germline): Uncertain significance (1 of 4 stars; one submission).

Conditions:
Kabuki syndrome. Also called: NIIKAWA-KUROKI SYNDROME; Kabuki make-up syndrome. Identifiers: Orphanet 2322, MedGen C0796004, MONDO:0016512.

Submission:

Labcorp Genetics (formerly Invitae), Labcorp
Classification: Uncertain significance for Kabuki syndrome. Last evaluated: 2023-04-06. Review status: criteria provided, single submitter. Criteria: Invitae Variant Classification Sherloc (09022015). Collection method: clinical testing. Allele origin: germline.
Comment: This sequence change affects codon 2089 of the KMT2D mRNA. It is a 'silent' change, meaning that it does not change the encoded amino acid sequence of the KMT2D protein. This variant is not present in population databases (gnomAD no frequency). This variant has not been reported in the literature in individuals affected with KMT2D-related conditions. Algorithms developed to predict the effect of sequence changes on RNA splicing suggest that this variant may disrupt the consensus splice site. In summary, the available evidence is currently insufficient to determine the role of this variant in disease. Therefore, it has been classified as a Variant of Uncertain Significance.

NM_003482.4(KMT2D):c.6267G>A (p.Lys2089=)

Gene: KMT2D (lysine methyltransferase 2D; minus strand). Cytogenetic location: 12q13.12.
Variant type: single nucleotide variant.
Coding change: c.6267G>A on transcript NM_003482.4 (MANE Select); coding-DNA position 6267, G replaced by A.
Protein change: p.Lys2089=; no amino-acid change (lysine 2089 retained).
Molecular consequence: synonymous variant.
Genome position (GRCh38, 1-based): chr12:49,041,503, C>T on the plus strand (G>A on the coding strand, the complement: KMT2D is on the minus strand). VCF-style: chr12-49041503-C-T. GRCh37 (hg19) VCF-style: chr12-49435286-C-T.
Identifiers: ClinVar variation 2852885 (VCV002852885.3), dbSNP rs2498404298, ClinGen allele CA479712553.